The following is an entry in ClinVar:

NM_002335.4(LRP5):c.4018C>T (p.Gln1340Ter)

Gene: LRP5 (LDL receptor related protein 5; plus strand). Cytogenetic location: 11q13.2.
Variant type: single nucleotide variant.
Coding change: c.4018C>T on transcript NM_002335.4 (MANE Select); coding-DNA position 4018, C replaced by T.
Protein change: p.Gln1340Ter; replaces glutamine 1340 with a stop codon.
Molecular consequence: nonsense.
Genome position (GRCh38, 1-based): chr11:68,436,906, C>T. VCF-style: chr11-68436906-C-T. GRCh37 (hg19) VCF-style: chr11-68204374-C-T.
Other names: c.2275C>T, p.Gln759Ter (NM_001291902.2); short protein forms Q1340*, Q759*.
Identifiers: ClinVar variation 3375766 (VCV003375766.2).

ClinVar aggregate classification (germline): Pathogenic (1 of 4 stars; one submission).

Submission:

GeneDx
Classification: Pathogenic. Last evaluated: 2025-07-18. Review status: criteria provided, single submitter. Criteria: GeneDx Variant Classification Process June 2021. Collection method: clinical testing. Allele origin: germline.
Comment: Not observed at significant frequency in large population cohorts (gnomAD); Has not been previously published as pathogenic or benign to our knowledge; Nonsense variant predicted to result in protein truncation or nonsense mediated decay in a gene for which loss of function is a known mechanism of disease